The following is an entry in ClinVar:

ClinVar aggregate classification (germline): Uncertain significance (1 of 4 stars; one submission).

Submission:

Greenwood Genetic Center Diagnostic Laboratories, Greenwood Genetic Center
Classification: Uncertain significance. Last evaluated: 2024-09-26. Review status: criteria provided, single submitter. Criteria: ACMG Guidelines, 2015. Collection method: clinical testing. Allele origin: germline. Affected: yes.
Comment: PM2

NM_007192.4(SUPT16H):c.1482del (p.Glu495fs)

Gene: SUPT16H (SPT16 homolog, facilitates chromatin remodeling subunit; minus strand). Cytogenetic location: 14q11.2.
Variant type: Deletion.
Coding change: c.1482del on transcript NM_007192.4 (MANE Select); coding-DNA position 1482, one base deleted (T; older notation c.1482delT).
Protein change: p.Glu495fs; shifts the reading frame from glutamic acid 495.
Molecular consequence: frameshift variant.
Genome position (GRCh38, 1-based): chr14:21,363,063, A deleted on the plus strand (T on the coding strand, the reverse complement: SUPT16H is on the minus strand). VCF-style (leftmost placement, unchanged base first): chr14-21363062-CA-C. GRCh37 (hg19) VCF-style: chr14-21831221-CA-C.
Other names: short protein forms E495fs.
Identifiers: ClinVar variation 3765672 (VCV003765672.1).
Genomic context (GRCh38, chr14:21,363,062, plus strand): 5'-AGATGATCTCACTGCTCAGTGAAAACTCTTACTTCTGAATCTGCTGTTCTCCCTTTTGTT[CA>C]GTCAATCGCCTCTTTGCTTCTTCATTGAGTTGAGCCGCTAGTTCTTTCTGATGTGCTCTT-3'